The following is an entry in ClinVar:

ClinVar aggregate classification (germline): Likely benign. Review status: criteria provided, multiple submitters, no conflicts (2 of 4 stars). 2 submissions from 2 submitters: Likely benign (2). Last evaluated 2025-05-01.

Allele frequency attached by ClinVar (database versions not stated): ExAC 0.00002; TOPMed 0.00003; gnomAD 0.00004; ESP Exome Variant Server 0.00008.

Submissions (2):

CeGaT Center for Human Genetics Tuebingen
Classification: Likely benign. Last evaluated: 2025-05-01. Review status: criteria provided, single submitter. Criteria: CeGaT Center For Human Genetics Tuebingen Variant Classification Criteria Version 2. Collection method: clinical testing. Allele origin: germline. Affected: yes. Observed: 1 variant allele.
Comment: KCNJ6: BP4, BP7

Labcorp Genetics (formerly Invitae), Labcorp
Classification: Likely benign. Last evaluated: 2023-09-09. Review status: criteria provided, single submitter. Criteria: Invitae Variant Classification Sherloc (09022015). Collection method: clinical testing. Allele origin: germline.

NM_002240.5(KCNJ6):c.1113C>T (p.Ala371=)

Genes: KCNJ6-AS1 (KCNJ6 antisense RNA 1; plus strand), KCNJ6 (potassium inwardly rectifying channel subfamily J member 6; minus strand). Cytogenetic location: 21q22.13.
Variant type: single nucleotide variant.
Coding change: c.1113C>T on transcript NM_002240.5 (MANE Select); coding-DNA position 1113, C replaced by T.
Protein change: p.Ala371=; no amino-acid change (alanine 371 retained).
Molecular consequence: synonymous variant.
Genome position (GRCh38, 1-based): chr21:37,625,318, G>A on the plus strand (C>T on the coding strand, the complement: KCNJ6 is on the minus strand). VCF-style: chr21-37625318-G-A. GRCh37 (hg19) VCF-style: chr21-38997620-G-A.
Identifiers: ClinVar variation 2966231 (VCV002966231.13), dbSNP rs368939811, ClinGen allele CA10024248.